The following is an entry in ClinVar:

ClinVar aggregate classification (germline): Pathogenic (1 of 4 stars; one submission).

Conditions:
Hereditary breast ovarian cancer syndrome. Also called: Hereditary breast and ovarian cancer syndrome (HBOC); Hereditary breast and ovarian cancer syndrome; Breast and ovarian cancer; Hereditary breast and/or ovarian cancer syndrome; Hereditary breast and ovarian cancer; BRCA1- and BRCA2-Associated Hereditary Breast and Ovarian Cancer. Identifiers: Orphanet 145, MedGen C0677776, MeSH D061325, MONDO:0003582. Disease mechanism: loss of function.

Submission:

Labcorp Genetics (formerly Invitae), Labcorp
Classification: Pathogenic for Hereditary breast ovarian cancer syndrome. Last evaluated: 2017-02-27. Review status: criteria provided, single submitter. Criteria: Invitae Variant Classification Sherloc (09022015). Collection method: clinical testing. Allele origin: germline.
Comment: This variant is an out-of-frame deletion of the genomic region encompassing exon 13 of the BRCA2 gene. This creates a premature translational stop signal and is expected to result in an absent or disrupted protein product. While this particular variant has not been reported in the literature, loss-of-function variants in BRCA2 are known to be pathogenic (PMID: 20104584). For these reasons, this variant has been classified as Pathogenic.

NC_000013.10:g.(?_32920958)_(32921039_?)del

Gene: BRCA2 (BRCA2 DNA repair associated; plus strand). Cytogenetic location: 13q13.1.
Variant type: Deletion.
Identifiers: ClinVar variation 462166 (VCV000462166.1).